The following is an entry in ClinVar:

ClinVar aggregate classification (germline): Likely benign. Review status: criteria provided, single submitter (1 of 4 stars). 2 submissions from 2 submitters: Likely benign (1). 1 of the submissions does not count toward it. Last evaluated 2025-05-11.

Conditions:
Cornelia de Lange syndrome 1 (CDLS1). Also called: TYPUS DEGENERATIVUS AMSTELODAMENSIS; Brachmann de Lange syndrome; NIPBL-Related Cornelia de Lange Syndrome. Identifiers: Orphanet 199, MedGen C4551851, MONDO:0007387, OMIM 122470.
NIPBL-related disorder. Also called: NIPBL-related condition.

Allele frequency attached by ClinVar (database versions not stated): gnomAD exomes 0.00001; ExAC 0.00005; gnomAD 0.00010; TOPMed 0.00010; 1000 Genomes Project 30x 0.00016; 1000 Genomes Project 0.00020; ESP Exome Variant Server 0.00023.
gnomAD v4.1: 36 of 1,613,650 alleles (0.0022%); highest among the groups gnomAD compares: African/African-American, 0.023%; no homozygotes.

Submissions (2):

Labcorp Genetics (formerly Invitae), Labcorp
Classification: Likely benign for Cornelia de Lange syndrome 1. Last evaluated: 2025-05-11. Review status: criteria provided, single submitter. Criteria: Invitae Variant Classification Sherloc (09022015). Collection method: clinical testing. Allele origin: germline.

PreventionGenetics, part of Exact Sciences
Classification: Likely benign for NIPBL-related condition. Last evaluated: 2019-05-06. Review status: no assertion criteria provided. Collection method: clinical testing. Allele origin: germline. Not counted in ClinVar's aggregate classification.
Comment: This variant is classified as likely benign based on ACMG/AMP sequence variant interpretation guidelines (Richards et al. 2015 PMID: 25741868, with internal and published modifications).

NM_133433.4(NIPBL):c.1026G>A (p.Ala342=)

Gene: NIPBL (NIPBL cohesin loading factor; plus strand). Cytogenetic location: 5p13.2.
Variant type: single nucleotide variant.
Coding change: c.1026G>A on transcript NM_133433.4 (MANE Select); coding-DNA position 1026, G replaced by A.
Protein change: p.Ala342=; no amino-acid change (alanine 342 retained).
Molecular consequence: synonymous variant.
Genome position (GRCh38, 1-based): chr5:36,975,933, G>A. VCF-style: chr5-36975933-G-A. GRCh37 (hg19) VCF-style: chr5-36976035-G-A.
Other names: c.1026G>A (NM_133433.3); c.1026G>A, p.Ala342= (NM_015384.5).
Identifiers: ClinVar variation 2854436 (VCV002854436.5), dbSNP rs370389105, ClinGen allele CA3235979.
Genomic context (GRCh38, chr5:36,975,933, plus strand): 5'-ACAAAAGAAGCAGAAGAAAATGAAATTAGGCAAGGATGAAAAAGAGCAGAGTGAGAAAGC[G>A]GCAATGTATGATATAATTAGTTCTCCATCCAAGGACTCTACTAAACTTACATTAAGACTT-3'
Protein context (NP_597677.2, residues 332-352): GKDEKEQSEK[Ala342=]AMYDIISSPS